The following is an entry in ClinVar:

ClinVar aggregate classification (germline): Uncertain significance (1 of 4 stars; one submission).

Conditions:
Jeune thoracic dystrophy. Also called: Short-rib thoracic dysplasia; Jeune syndrome; Infantile thoracic dystrophy; Thoracic pelvic phalangeal dystrophy; Jeune's syndrome; Chondroectodermal dysplasia-like syndrome. Identifiers: Orphanet 474, MedGen C0265275, MONDO:0018770.

gnomAD v4.1: 37 of 1,584,612 alleles (0.0023%); highest among the groups gnomAD compares: Middle Eastern, 0.033%; no homozygotes.

Submission:

Labcorp Genetics (formerly Invitae), Labcorp
Classification: Uncertain significance for Jeune thoracic dystrophy. Last evaluated: 2025-09-08. Review status: criteria provided, single submitter. Criteria: Invitae Variant Classification Sherloc (09022015). Collection method: clinical testing. Allele origin: germline.
Comment: This sequence change replaces proline, which is neutral and non-polar, with threonine, which is neutral and polar, at codon 1858 of the DYNC2H1 protein (p.Pro1858Thr). The frequency data for this variant in the population databases is considered unreliable, as metrics indicate poor data quality at this position in the gnomAD database. This variant has not been reported in the literature in individuals affected with DYNC2H1-related conditions. ClinVar contains an entry for this variant (Variation ID: 3717134). Invitae Evidence Modeling of protein sequence and biophysical properties (such as structural, functional, and spatial information, amino acid conservation, physicochemical variation, residue mobility, and thermodynamic stability) has been performed for this missense variant. However, the output from this modeling did not meet the statistical confidence thresholds required to predict the impact of this variant on DYNC2H1 protein function. In summary, the available evidence is currently insufficient to determine the role of this variant in disease. Therefore, it has been classified as a Variant of Uncertain Significance.

NM_001377.3(DYNC2H1):c.5572C>A (p.Pro1858Thr)

Gene: DYNC2H1 (dynein cytoplasmic 2 heavy chain 1; plus strand). Cytogenetic location: 11q22.3.
Variant type: single nucleotide variant.
Coding change: c.5572C>A on transcript NM_001377.3 (MANE Select); coding-DNA position 5572, C replaced by A.
Protein change: p.Pro1858Thr; replaces proline 1858 with threonine.
Molecular consequence: missense variant.
Genome position (GRCh38, 1-based): chr11:103,174,068, C>A. VCF-style: chr11-103174068-C-A. GRCh37 (hg19) VCF-style: chr11-103044797-C-A.
Other names: c.5572C>A, p.Pro1858Thr (NM_001080463.2); short protein forms P1858T.
Identifiers: ClinVar variation 3717134 (VCV003717134.2).